The following is an entry in ClinVar:

NM_004655.4(AXIN2):c.991A>C (p.Lys331Gln)

Gene: AXIN2 (axin 2; minus strand). Cytogenetic location: 17q24.1.
Variant type: single nucleotide variant.
Coding change: c.991A>C on transcript NM_004655.4 (MANE Select); coding-DNA position 991, A replaced by C.
Protein change: p.Lys331Gln; replaces lysine 331 with glutamine.
Molecular consequence: missense variant.
Genome position (GRCh38, 1-based): chr17:65,541,523, T>G on the plus strand (A>C on the coding strand, the complement: AXIN2 is on the minus strand). VCF-style: chr17-65541523-T-G. GRCh37 (hg19) VCF-style: chr17-63537641-T-G.
Other names: c.991A>C, p.Lys331Gln (NM_001363813.1); short protein forms K331Q.
Identifiers: ClinVar variation 1768603 (VCV001768603.2), dbSNP rs2544196709, ClinGen allele CA400679336.

ClinVar aggregate classification (germline): Uncertain significance (1 of 4 stars; one submission).

Conditions:
Hereditary cancer-predisposing syndrome. Also called: Hereditary Cancer Syndrome; Hereditary neoplastic syndrome; Neoplastic Syndromes, Hereditary; Tumor predisposition. Identifiers: Orphanet 140162, MedGen C0027672, MeSH D009386, MONDO:0015356.

Submission:

Ambry Genetics
Classification: Uncertain significance for Hereditary cancer-predisposing syndrome. Last evaluated: 2021-11-21. Review status: criteria provided, single submitter. Criteria: Ambry Variant Classification Scheme 2023. Collection method: clinical testing. Allele origin: germline.
Comment: The p.K331Q variant (also known as c.991A>C), located in coding exon 3 of the AXIN2 gene, results from an A to C substitution at nucleotide position 991. The lysine at codon 331 is replaced by glutamine, an amino acid with similar properties. This amino acid position is conserved. In addition, the in silico prediction for this alteration is inconclusive. Since supporting evidence is limited at this time, the clinical significance of this alteration remains unclear.